The following is an entry in ClinVar:

ClinVar aggregate classification (germline): Benign (1 of 4 stars; one submission).

Allele frequency attached by ClinVar (database versions not stated): 1000 Genomes Project 0.01478; gnomAD 0.01504; 1000 Genomes Project 30x 0.01515; TOPMed 0.01619.

Submission:

GeneDx
Classification: Benign. Last evaluated: 2018-06-16. Review status: criteria provided, single submitter. Criteria: GeneDx Variant Classification (06012015). Collection method: clinical testing. Allele origin: germline. Affected: yes.
Comment: This variant is considered likely benign or benign based on one or more of the following criteria: it is a conservative change, it occurs at a poorly conserved position in the protein, it is predicted to be benign by multiple in silico algorithms, and/or has population frequency not consistent with disease.

NM_001292063.2(OTOG):c.1955+90G>A

Gene: OTOG (otogelin; plus strand). Cytogenetic location: 11p15.1.
Variant type: single nucleotide variant.
Coding change: c.1955+90G>A on transcript NM_001292063.2 (MANE Select); 90 bases into the intron after coding-DNA position 1955, G replaced by A.
Molecular consequence: intron variant.
Genome position (GRCh38, 1-based): chr11:17,570,480, G>A. VCF-style: chr11-17570480-G-A. GRCh37 (hg19) VCF-style: chr11-17592027-G-A.
Other names: c.1991+90G>A (NM_001277269.2).
Identifiers: ClinVar variation 682054 (VCV000682054.1), dbSNP rs79748590, ClinGen allele CA218504514.